The following is an entry in ClinVar:

ClinVar aggregate classification (germline): Pathogenic (1 of 4 stars; one submission).

Allele frequency attached by ClinVar (database versions not stated): gnomAD 0.00001; gnomAD exomes 0.00002; ExAC 0.00004; ESP Exome Variant Server 0.00008.
gnomAD v4.1: 25 of 1,606,512 alleles (0.0016%); highest among the groups gnomAD compares: Non-Finnish European, 0.0021%; no homozygotes.

Submission:

Labcorp Genetics (formerly Invitae), Labcorp
Classification: Pathogenic. Last evaluated: 2025-11-18. Review status: criteria provided, single submitter. Criteria: Invitae Variant Classification Sherloc (09022015). Collection method: clinical testing. Allele origin: germline.
Comment: This sequence change creates a premature translational stop signal (p.Gln236*) in the COL9A1 gene. It is expected to result in an absent or disrupted protein product. Loss-of-function variants in COL9A1 are known to be pathogenic (PMID: 16909383, 21421862). The frequency data for this variant in the population databases is considered unreliable, as metrics indicate poor data quality at this position in the gnomAD database. This variant has not been reported in the literature in individuals affected with COL9A1-related conditions. ClinVar contains an entry for this variant (Variation ID: 1936357). Algorithms developed to predict the effect of sequence changes on RNA splicing suggest that this variant may disrupt the consensus splice site. For these reasons, this variant has been classified as Pathogenic.

Literature cited by the submitters: PubMed 16909383; PubMed 21421862.

NM_001851.6(COL9A1):c.706C>T (p.Gln236Ter)

Gene: COL9A1 (collagen type IX alpha 1 chain; minus strand). Cytogenetic location: 6q13.
Variant type: single nucleotide variant.
Coding change: c.706C>T on transcript NM_001851.6 (MANE Select); coding-DNA position 706, C replaced by T.
Protein change: p.Gln236Ter; replaces glutamine 236 with a stop codon.
Molecular consequence: nonsense.
Genome position (GRCh38, 1-based): chr6:70,283,811, G>A on the plus strand (C>T on the coding strand, the complement: COL9A1 is on the minus strand). VCF-style: chr6-70283811-G-A. GRCh37 (hg19) VCF-style: chr6-70993514-G-A.
Other names: c.706C>T, p.Gln236Ter (NM_001377291.1); short protein forms Q236*.
Identifiers: ClinVar variation 1936357 (VCV001936357.5), dbSNP rs140240551, ClinGen allele CA3882736.